The following is an entry in ClinVar:

NM_000202.8(IDS):c.1447A>G (p.Lys483Glu)

Gene: IDS (iduronate 2-sulfatase; minus strand). Cytogenetic location: Xq28.
Variant type: single nucleotide variant.
Coding change: c.1447A>G on transcript NM_000202.8 (MANE Select); coding-DNA position 1447, A replaced by G.
Protein change: p.Lys483Glu; replaces lysine 483 with glutamic acid.
Molecular consequence: missense variant.
Genome position (GRCh38, 1-based): chrX:149,482,952, T>C on the plus strand (A>G on the coding strand, the complement: IDS is on the minus strand). VCF-style: chrX-149482952-T-C. GRCh37 (hg19) VCF-style: chrX-148564483-T-C.
Other names: c.1177A>G, p.Lys393Glu (NM_001166550.4); short protein forms K393E, K483E.
Identifiers: ClinVar variation 1377944 (VCV001377944.6), dbSNP rs2123994225, ClinGen allele CA414518073.

ClinVar aggregate classification (germline): Uncertain significance (1 of 4 stars; one submission).

Conditions:
Mucopolysaccharidosis, MPS-II (MPS2). Also called: IDURONATE 2-SULFATASE DEFICIENCY; Mucopolysaccharidosis Type II; Attenuated MPS (subtype; formerly known as mild MPS II); Severe MPS II; I2S deficiency; MPS 2. Identifiers: Orphanet 580, Orphanet 79388, MedGen C0026705, MONDO:0010674, OMIM 309900.

Submission:

Labcorp Genetics (formerly Invitae), Labcorp
Classification: Uncertain significance for Mucopolysaccharidosis, MPS-II. Last evaluated: 2024-10-25. Review status: criteria provided, single submitter. Criteria: Invitae Variant Classification Sherloc (09022015). Collection method: clinical testing. Allele origin: germline.
Comment: This sequence change replaces lysine, which is basic and polar, with glutamic acid, which is acidic and polar, at codon 483 of the IDS protein (p.Lys483Glu). This variant is not present in population databases (gnomAD no frequency). This variant has not been reported in the literature in individuals affected with IDS-related conditions. ClinVar contains an entry for this variant (Variation ID: 1377944). Invitae Evidence Modeling of protein sequence and biophysical properties (such as structural, functional, and spatial information, amino acid conservation, physicochemical variation, residue mobility, and thermodynamic stability) indicates that this missense variant is not expected to disrupt IDS protein function with a negative predictive value of 80%. In summary, the available evidence is currently insufficient to determine the role of this variant in disease. Therefore, it has been classified as a Variant of Uncertain Significance.